The following is an entry in ClinVar:

ClinVar aggregate classification (germline): Uncertain significance (1 of 4 stars; one submission).

Conditions:
Congenital myasthenic syndrome 20. Also called: Myasthenic syndrome, congenital, 20, presynaptic. Identifiers: MedGen C4310694, MONDO:0014939, OMIM 617143.
Neuronopathy, distal hereditary motor, type 7A. Also called: Neuronopathy, distal hereditary motor, type viia; NEURONOPATHY, DISTAL HEREDITARY MOTOR, HARDING TYPE VIIA; NEUROPATHY, DISTAL HEREDITARY MOTOR, HARDING TYPE VIIA; Neuronopathy, distal hereditary motor, autosomal dominant 7; HARPER-YOUNG MYOPATHY; HMN VIIA. Identifiers: Orphanet 139589, MedGen C1834703, MONDO:0008024, OMIM 158580.

Allele frequency attached by ClinVar (database versions not stated): gnomAD 0.00001.
gnomAD v4.1: 1 of 1,613,984 alleles (0.000062%); highest among the groups gnomAD compares: African/African-American, 0.0013%; no homozygotes.

Submission:

Labcorp Genetics (formerly Invitae), Labcorp
Classification: Uncertain significance for Neuronopathy, distal hereditary motor, type 7A; Congenital myasthenic syndrome 20. Last evaluated: 2021-09-25. Review status: criteria provided, single submitter. Criteria: Invitae Variant Classification Sherloc (09022015). Collection method: clinical testing. Allele origin: germline.
Comment: In summary, the available evidence is currently insufficient to determine the role of this variant in disease. Therefore, it has been classified as a Variant of Uncertain Significance. Algorithms developed to predict the effect of missense changes on protein structure and function (SIFT, PolyPhen-2, Align-GVGD) all suggest that this variant is likely to be tolerated. This variant has not been reported in the literature in individuals affected with SLC5A7-related conditions. This variant is not present in population databases (ExAC no frequency). This sequence change replaces aspartic acid with glycine at codon 233 of the SLC5A7 protein (p.Asp233Gly). The aspartic acid residue is weakly conserved and there is a moderate physicochemical difference between aspartic acid and glycine.

NM_021815.5(SLC5A7):c.698A>G (p.Asp233Gly)

Gene: SLC5A7 (solute carrier family 5 member 7; plus strand). Cytogenetic location: 2q12.3.
Variant type: single nucleotide variant.
Coding change: c.698A>G on transcript NM_021815.5 (MANE Select); coding-DNA position 698, A replaced by G.
Protein change: p.Asp233Gly; replaces aspartic acid 233 with glycine.
Molecular consequence: missense variant. On other transcripts: 5 prime UTR variant (1).
Genome position (GRCh38, 1-based): chr2:108,001,997, A>G. VCF-style: chr2-108001997-A-G. GRCh37 (hg19) VCF-style: chr2-108618453-A-G.
Other names: c.698A>G, p.Asp233Gly (NM_001305005.3); c.383A>G, p.Asp128Gly (NM_001305006.3); c.-44A>G (NM_001305007.3); short protein forms D233G, D128G.
Identifiers: ClinVar variation 1352434 (VCV001352434.6), dbSNP rs1677927626, ClinGen allele CA348112926.